The following is an entry in ClinVar:

NM_001015877.2(PHF6):c.834+36C>T

Gene: PHF6 (PHD finger protein 6; plus strand). Cytogenetic location: Xq26.2.
Variant type: single nucleotide variant.
Coding change: c.834+36C>T on transcript NM_001015877.2 (MANE Select); 36 bases into the intron after coding-DNA position 834, C replaced by T.
Molecular consequence: intron variant. On other transcripts: synonymous variant (1).
Genome position (GRCh38, 1-based): chrX:134,415,156, C>T. VCF-style: chrX-134415156-C-T. GRCh37 (hg19) VCF-style: chrX-133549186-C-T.
Other names: c.873C>T, p.His291= (NM_032335.3); c.834+36C>T (NM_032458.3).
Identifiers: ClinVar variation 4980418 (VCV004980418.1).

ClinVar aggregate classification (germline): Likely benign (1 of 4 stars; one submission).

Conditions:
PHF6-related disorder. Also called: PHF6-related condition.

gnomAD v4.1: 4 of 1,206,880 alleles (0.00033%); highest among the groups gnomAD compares: Admixed American, 0.0088%; no homozygotes.

Submission:

PreventionGenetics, part of Exact Sciences
Classification: Likely benign for PHF6-related condition. Last evaluated: 2025-08-25. Review status: criteria provided, single submitter. Criteria: ACMG Guidelines, 2015. Collection method: clinical testing. Allele origin: germline.
Comment: This variant is classified as likely benign based on ACMG/AMP sequence variant interpretation guidelines (Richards et al. 2015 PMID: 25741868, with internal and published modifications).